The following is an entry in ClinVar:

NM_000384.3(APOB):c.8660C>A (p.Thr2887Asn)

Gene: APOB (apolipoprotein B; minus strand). Cytogenetic location: 2p24.1.
Variant type: single nucleotide variant.
Coding change: c.8660C>A on transcript NM_000384.3 (MANE Select); coding-DNA position 8660, C replaced by A.
Protein change: p.Thr2887Asn; replaces threonine 2887 with asparagine.
Molecular consequence: missense variant.
Genome position (GRCh38, 1-based): chr2:21,008,208, G>T on the plus strand (C>A on the coding strand, the complement: APOB is on the minus strand). VCF-style: chr2-21008208-G-T. GRCh37 (hg19) VCF-style: chr2-21231080-G-T.
Other names: short protein forms T2887N.
Identifiers: ClinVar variation 5009487 (VCV005009487.1).

ClinVar aggregate classification (germline): Uncertain significance (1 of 4 stars; one submission).

Submission:

GeneDx
Classification: Uncertain significance. Last evaluated: 2026-03-20. Review status: criteria provided, single submitter. Criteria: GeneDx Variant Classification Process June 2021. Collection method: clinical testing. Allele origin: germline.
Comment: Not observed at significant frequency in large population cohorts (gnomAD); In silico analysis supports that this missense variant has a deleterious effect on protein structure/function; Has not been previously published as pathogenic or benign to our knowledge; Also known as p.(T2860N)